The following is an entry in ClinVar:

NM_001164665.2(KIAA1549):c.4264G>C (p.Glu1422Gln)

Gene: KIAA1549 (KIAA1549; minus strand). Cytogenetic location: 7q34.
Variant type: single nucleotide variant.
Coding change: c.4264G>C on transcript NM_001164665.2 (MANE Select); coding-DNA position 4264, G replaced by C.
Protein change: p.Glu1422Gln; replaces glutamic acid 1422 with glutamine.
Molecular consequence: missense variant.
Genome position (GRCh38, 1-based): chr7:138,879,619, C>G on the plus strand (G>C on the coding strand, the complement: KIAA1549 is on the minus strand). VCF-style: chr7-138879619-C-G. GRCh37 (hg19) VCF-style: chr7-138564365-C-G.
Other names: c.4264G>C, p.Glu1422Gln (NM_020910.3); short protein forms E1422Q.
Identifiers: ClinVar variation 2788770 (VCV002788770.3), dbSNP rs2485496025, ClinGen allele CA369376121.
Genomic context (GRCh38, chr7:138,879,619, plus strand): 5'-ACCTGCCATCGTTGACGGCTCCCGGCGTCTTATCTCCTGCGTCCCTCTCGCTGGACTCTT[C>G]ACTGACCGTAGAGTCAGCATCTGAGGGAGAAACTCTGCAGACACAAAATGAATTGCAAAC-3'
Protein context (NP_001158137.1, residues 1412-1432): SPSDADSTVS[Glu1422Gln]ESSERDAGDK

ClinVar aggregate classification (germline): Uncertain significance (1 of 4 stars; one submission).

Submission:

Labcorp Genetics (formerly Invitae), Labcorp
Classification: Uncertain significance. Last evaluated: 2022-12-20. Review status: criteria provided, single submitter. Criteria: Invitae Variant Classification Sherloc (09022015). Collection method: clinical testing. Allele origin: germline.
Comment: This sequence change replaces glutamic acid, which is acidic and polar, with glutamine, which is neutral and polar, at codon 1422 of the KIAA1549 protein (p.Glu1422Gln). In summary, the available evidence is currently insufficient to determine the role of this variant in disease. Therefore, it has been classified as a Variant of Uncertain Significance. Algorithms developed to predict the effect of missense changes on protein structure and function are either unavailable or do not agree on the potential impact of this missense change (SIFT: "Deleterious"; PolyPhen-2: "Probably Damaging"; Align-GVGD: "Class C0"). This variant has not been reported in the literature in individuals affected with KIAA1549-related conditions. This variant is not present in population databases (gnomAD no frequency).